The following is an entry in ClinVar:

NM_001035.3(RYR2):c.4554C>G (p.Leu1518=)

Gene: RYR2 (ryanodine receptor 2; plus strand). Cytogenetic location: 1q43.
Variant type: single nucleotide variant.
Coding change: c.4554C>G on transcript NM_001035.3 (MANE Select); coding-DNA position 4554, C replaced by G.
Protein change: p.Leu1518=; no amino-acid change (leucine 1518 retained).
Molecular consequence: synonymous variant.
Genome position (GRCh38, 1-based): chr1:237,595,615, C>G. VCF-style: chr1-237595615-C-G. GRCh37 (hg19) VCF-style: chr1-237758915-C-G.
Identifiers: ClinVar variation 3385726 (VCV003385726.1).

ClinVar aggregate classification (germline): Likely benign (1 of 4 stars; one submission).

Conditions:
Catecholaminergic polymorphic ventricular tachycardia (CVPT). Also called: Catecholamine-induced polymorphic ventricular tachycardia. Identifiers: Orphanet 3286, MedGen C5574922, MONDO:0017990.

Submission:

All of Us Research Program, National Institutes of Health
Classification: Likely benign for Catecholaminergic polymorphic ventricular tachycardia. Last evaluated: 2024-07-10. Review status: criteria provided, single submitter. Criteria: ACMG Guidelines, 2015. Collection method: clinical testing. Allele origin: germline. Inheritance: Autosomal dominant inheritance. Observed: 1 variant allele, 1 heterozygote.
Comment: This study involves interpretation of variants in research participants for the purpose of population health screening. Participant phenotype was not available at the time of variant classification. Additional details can be found in publication PMID: 35346344, PMCID: PMC8962531